The following is an entry in ClinVar:

NM_174936.4(PCSK9):c.396G>A (p.Glu132=)

Gene: PCSK9 (proprotein convertase subtilisin/kexin type 9; plus strand). Cytogenetic location: 1p32.3.
Variant type: single nucleotide variant.
Coding change: c.396G>A on transcript NM_174936.4 (MANE Select); coding-DNA position 396, G replaced by A.
Protein change: p.Glu132=; no amino-acid change (glutamic acid 132 retained).
Molecular consequence: synonymous variant. On other transcripts: non-coding transcript variant (6), intron variant (1).
Genome position (GRCh38, 1-based): chr1:55,044,031, G>A. VCF-style: chr1-55044031-G-A. GRCh37 (hg19) VCF-style: chr1-55509704-G-A.
Other names: c.519G>A, p.Glu173= (NM_001407240.1); c.396G>A, p.Glu132= (NM_001407241.1, NM_001407242.1, NM_001407243.1 and 2 more transcripts); c.21G>A, p.Glu7= (NM_001407246.1); c.208-2492G>A (NM_001407245.1).
Identifiers: ClinVar variation 2968654 (VCV002968654.5), dbSNP rs758580558, ClinGen allele CA041762.

ClinVar aggregate classification (germline): Conflicting classifications of pathogenicity. Review status: criteria provided, conflicting classifications (1 of 4 stars). 3 submissions from 3 submitters: Uncertain significance (1); Likely benign (2). Last evaluated 2024-01-11.

Conditions:
Hypercholesterolemia, autosomal dominant, 3 (FHCL3). Also called: Familial hypercholesterolemia 3; Familial Hypercholesterolemia, Autosomal Dominant, 3; PCSK9-Related Familial Hypercholesterolemia, Autosomal Dominant. Identifiers: MedGen C1863551, MONDO:0011369, OMIM 603776.
Familial hypercholesterolemia. Also called: Familial hypercholesterolemias; Familial hypercholesterolaemia. Identifiers: MedGen C0020445, MONDO:0005439.

Allele frequency attached by ClinVar (database versions not stated): ExAC 0.00001.
gnomAD v4.1: 15 of 1,614,160 alleles (0.00093%); highest among the groups gnomAD compares: South Asian, 0.0099%; no homozygotes.

Submissions (3):

All of Us Research Program, National Institutes of Health
Classification: Uncertain significance for Hypercholesterolemia, autosomal dominant, 3. Last evaluated: 2024-01-11. Review status: criteria provided, single submitter. Criteria: ACMG Guidelines, 2015. Collection method: clinical testing. Allele origin: germline. Inheritance: Autosomal dominant inheritance. Observed: 2 variant alleles, 2 heterozygotes.
Comment: This variant is located in the PCSK9 protein. To our knowledge, functional studies have not been reported for this variant. This variant has not been reported in individuals affected with PCSK9-related disorders in the literature. This variant has been identified in 3/251206 chromosomes in the general population by the Genome Aggregation Database (gnomAD). The available evidence is insufficient to determine the role of this variant in disease conclusively. Therefore, this variant is classified as a Variant of Uncertain Significance.

This study involves interpretation of variants in research participants for the purpose of population health screening. Participant phenotype was not available at the time of variant classification. Additional details can be found in publication PMID: 35346344, PMCID: PMC8962531

Labcorp Genetics (formerly Invitae), Labcorp
Classification: Likely benign for Hypercholesterolemia, autosomal dominant, 3. Last evaluated: 2023-10-19. Review status: criteria provided, single submitter. Criteria: Invitae Variant Classification Sherloc (09022015). Collection method: clinical testing. Allele origin: germline.

Color Diagnostics, LLC DBA Color Health
Classification: Likely benign for Familial hypercholesterolemia. Last evaluated: 2023-05-08. Review status: criteria provided, single submitter. Criteria: ACMG Guidelines, 2015. Collection method: clinical testing. Allele origin: germline.